The following is an entry in ClinVar:

NM_022124.6(CDH23):c.446C>T (p.Thr149Met)

Gene: CDH23 (cadherin related 23; plus strand). Cytogenetic location: 10q22.1.
Variant type: single nucleotide variant.
Coding change: c.446C>T on transcript NM_022124.6 (MANE Select); coding-DNA position 446, C replaced by T.
Protein change: p.Thr149Met; replaces threonine 149 with methionine.
Molecular consequence: missense variant.
Genome position (GRCh38, 1-based): chr10:71,566,758, C>T. VCF-style: chr10-71566758-C-T. GRCh37 (hg19) VCF-style: chr10-73326515-C-T.
Other names: c.446C>T, p.Thr149Met (NM_001171930.2, NM_001171931.2, NM_001171932.2 and 1 more transcripts); short protein forms T149M.
Identifiers: ClinVar variation 300401 (VCV000300401.10), dbSNP rs370947344, ClinGen allele CA5543444.
Genomic context (GRCh38, chr10:71,566,758, plus strand): 5'-TCCGCACTGGCTCACCCTTGTACTTGCTTTGCTCTCATCCCCAGAATACACCAGTGGGGA[C>T]GCCCATCTTCATCGTGAATGCCACAGACCCCGACTTGGGGGCAGGGGGCAGCGTCCTCTA-3'
Protein context (NP_071407.4, residues 139-159): VRIPENTPVG[Thr149Met]PIFIVNATDP

ClinVar aggregate classification (germline): Uncertain significance. Review status: criteria provided, multiple submitters, no conflicts (2 of 4 stars). 4 submissions from 4 submitters: Uncertain significance (4). Last evaluated 2026-07-01.

Conditions:
Usher syndrome type 1D (USH1D). Also called: USHER SYNDROME, TYPE ID. Identifiers: Orphanet 231169, Orphanet 886, MedGen C1832845, MONDO:0010984, OMIM 601067.
Autosomal recessive nonsyndromic hearing loss 12. Also called: DEAFNESS, AUTOSOMAL RECESSIVE 12. Identifiers: Orphanet 90636, MedGen C1832394, MONDO:0011067, OMIM 601386.
Pituitary adenoma 5, multiple types. Identifiers: MedGen C4539685, MONDO:0054601, OMIM 617540.

Allele frequency attached by ClinVar (database versions not stated): gnomAD 0.00002; TOPMed 0.00002; gnomAD exomes 0.00003 and 0.00004; ExAC 0.00005; ESP Exome Variant Server 0.00008.
gnomAD v4.1: 58 of 1,605,896 alleles (0.0036%); highest among the groups gnomAD compares: East Asian, 0.02%; no homozygotes.

Submissions (4):

CeGaT Center for Human Genetics Tuebingen
Classification: Uncertain significance. Last evaluated: 2026-07-01. Review status: criteria provided, single submitter. Criteria: CeGaT Center For Human Genetics Tuebingen Variant Classification Criteria Version 2. Collection method: clinical testing. Allele origin: germline. Affected: yes. Observed: 1 variant allele.

Labcorp Genetics (formerly Invitae), Labcorp
Classification: Uncertain significance. Last evaluated: 2024-10-23. Review status: criteria provided, single submitter. Criteria: Invitae Variant Classification Sherloc (09022015). Collection method: clinical testing. Allele origin: germline.
Comment: This sequence change replaces threonine, which is neutral and polar, with methionine, which is neutral and non-polar, at codon 149 of the CDH23 protein (p.Thr149Met). This variant is present in population databases (rs370947344, gnomAD 0.01%). This variant has not been reported in the literature in individuals affected with CDH23-related conditions. ClinVar contains an entry for this variant (Variation ID: 300401). Invitae Evidence Modeling of protein sequence and biophysical properties (such as structural, functional, and spatial information, amino acid conservation, physicochemical variation, residue mobility, and thermodynamic stability) has been performed for this missense variant. However, the output from this modeling did not meet the statistical confidence thresholds required to predict the impact of this variant on CDH23 protein function. In summary, the available evidence is currently insufficient to determine the role of this variant in disease. Therefore, it has been classified as a Variant of Uncertain Significance.

Fulgent Genetics
Classification: Uncertain significance for Usher syndrome type 1D; Autosomal recessive nonsyndromic hearing loss 12; Pituitary adenoma 5, multiple types. Last evaluated: 2021-07-28. Review status: criteria provided, single submitter. Criteria: ACMG Guidelines, 2015. Collection method: clinical testing. Allele origin: unknown.

Blueprint Genetics
Classification: Uncertain significance. Last evaluated: 2020-01-13. Review status: criteria provided, single submitter. Criteria: ACMG Guidelines, 2015. Collection method: clinical testing. Allele origin: germline.